The following is an entry in ClinVar:

NM_001376.5(DYNC1H1):c.3515A>G (p.Tyr1172Cys)

Gene: DYNC1H1 (dynein cytoplasmic 1 heavy chain 1; plus strand). Cytogenetic location: 14q32.31.
Variant type: single nucleotide variant.
Coding change: c.3515A>G on transcript NM_001376.5 (MANE Select); coding-DNA position 3515, A replaced by G.
Protein change: p.Tyr1172Cys; replaces tyrosine 1172 with cysteine.
Molecular consequence: missense variant.
Genome position (GRCh38, 1-based): chr14:101,995,251, A>G. VCF-style: chr14-101995251-A-G. GRCh37 (hg19) VCF-style: chr14-102461588-A-G.
Other names: short protein forms Y1172C.
Identifiers: ClinVar variation 1425199 (VCV001425199.8), dbSNP rs775012149, ClinGen allele CA7352032.

ClinVar aggregate classification (germline): Uncertain significance (1 of 4 stars; one submission).

Conditions:
Charcot-Marie-Tooth disease axonal type 2O. Also called: CHARCOT-MARIE-TOOTH NEUROPATHY, AXONAL, TYPE 2O; CHARCOT-MARIE-TOOTH DISEASE, AXONAL, AUTOSOMAL DOMINANT, TYPE 2O; Charcot-Marie-Tooth disease, axonal, type 20; Charcot-Marie-Tooth Neuropathy Type 2O. Identifiers: Orphanet 284232, MedGen C3280220, MONDO:0013644, OMIM 614228.

Allele frequency attached by ClinVar (database versions not stated): gnomAD exomes below 0.00001; ExAC 0.00001.

Submission:

Labcorp Genetics (formerly Invitae), Labcorp
Classification: Uncertain significance for Charcot-Marie-Tooth disease axonal type 2O. Last evaluated: 2020-11-23. Review status: criteria provided, single submitter. Criteria: Invitae Variant Classification Sherloc (09022015). Collection method: clinical testing. Allele origin: germline.
Comment: In summary, the available evidence is currently insufficient to determine the role of this variant in disease. Therefore, it has been classified as a Variant of Uncertain Significance. Algorithms developed to predict the effect of missense changes on protein structure and function (SIFT, PolyPhen-2, Align-GVGD) all suggest that this variant is likely to be disruptive, but these predictions have not been confirmed by published functional studies and their clinical significance is uncertain. This variant has not been reported in the literature in individuals with DYNC1H1-related conditions. This variant is present in population databases (rs775012149, ExAC 0.001%). This sequence change replaces tyrosine with cysteine at codon 1172 of the DYNC1H1 protein (p.Tyr1172Cys). The tyrosine residue is highly conserved and there is a large physicochemical difference between tyrosine and cysteine.